The following is an entry in ClinVar:

NM_000702.4(ATP1A2):c.589G>A (p.Val197Ile)

Genes: ATP1A2 (ATPase Na+/K+ transporting subunit alpha 2; plus strand), LOC126805890 (CDK7 strongly-dependent group 2 enhancer GRCh37_chr1:160093987-160095186; plus strand). Cytogenetic location: 1q23.2.
Variant type: single nucleotide variant.
Coding change: c.589G>A on transcript NM_000702.4 (MANE Select); coding-DNA position 589, G replaced by A.
Protein change: p.Val197Ile; replaces valine 197 with isoleucine.
Molecular consequence: missense variant.
Genome position (GRCh38, 1-based): chr1:160,124,389, G>A. VCF-style: chr1-160124389-G-A. GRCh37 (hg19) VCF-style: chr1-160094179-G-A.
Other names: short protein forms V197I.
Identifiers: ClinVar variation 1055216 (VCV001055216.34), dbSNP rs540087535, ClinGen allele CA1194218.

ClinVar aggregate classification (germline): Conflicting classifications of pathogenicity. Review status: criteria provided, conflicting classifications (1 of 4 stars). 4 submissions from 4 submitters: Uncertain significance (1); Likely benign (1). 2 of the submissions do not count toward it. Last evaluated 2025-09-02.

Conditions:
Familial hemiplegic migraine. Identifiers: MedGen C0338484, MONDO:0000700.

Allele frequency attached by ClinVar (database versions not stated): TOPMed 0.00001; ExAC 0.00002; gnomAD 0.00002; gnomAD exomes 0.00002.
gnomAD v4.1: 25 of 1,612,322 alleles (0.0016%); highest among the groups gnomAD compares: East Asian, 0.0045%; no homozygotes.

Submissions (4):

Labcorp Genetics (formerly Invitae), Labcorp
Classification: Uncertain significance for Familial hemiplegic migraine. Last evaluated: 2025-09-02. Review status: criteria provided, single submitter. Criteria: Invitae Variant Classification Sherloc (09022015). Collection method: clinical testing. Allele origin: germline.
Comment: This sequence change replaces valine, which is neutral and non-polar, with isoleucine, which is neutral and non-polar, at codon 197 of the ATP1A2 protein (p.Val197Ile). This variant is present in population databases (rs540087535, gnomAD 0.003%). This variant has not been reported in the literature in individuals affected with ATP1A2-related conditions. ClinVar contains an entry for this variant (Variation ID: 1055216). Invitae Evidence Modeling of protein sequence and biophysical properties (such as structural, functional, and spatial information, amino acid conservation, physicochemical variation, residue mobility, and thermodynamic stability) indicates that this missense variant is not expected to disrupt ATP1A2 protein function with a negative predictive value of 80%. In summary, the available evidence is currently insufficient to determine the role of this variant in disease. Therefore, it has been classified as a Variant of Uncertain Significance.

CeGaT Center for Human Genetics Tuebingen
Classification: Likely benign. Last evaluated: 2022-11-01. Review status: criteria provided, single submitter. Criteria: CeGaT Center For Human Genetics Tuebingen Variant Classification Criteria Version 2. Collection method: clinical testing. Allele origin: germline. Affected: yes. Observed: 1 variant allele.
Comment: ATP1A2: BP4

Genome Diagnostics Laboratory, University Medical Center Utrecht
Classification: Likely benign. Review status: no assertion criteria provided. Collection method: clinical testing. Allele origin: germline. Affected: yes. Study: VKGL Data-share Consensus. Not counted in ClinVar's aggregate classification.

Laboratory of Diagnostic Genome Analysis, Leiden University Medical Center (LUMC)
Classification: Likely benign. Review status: no assertion criteria provided. Collection method: clinical testing. Allele origin: germline. Affected: yes. Study: VKGL Data-share Consensus. Not counted in ClinVar's aggregate classification.